The following is an entry in ClinVar:

NM_001673.5(ASNS):c.46G>T (p.Val16Phe)

Genes: ASNS (asparagine synthetase (glutamine-hydrolyzing); minus strand), CZ1P-ASNS (CZ1P-ASNS readthrough; minus strand). Cytogenetic location: 7q21.3.
Variant type: single nucleotide variant.
Coding change: c.46G>T on transcript NM_001673.5 (MANE Select); coding-DNA position 46, G replaced by T.
Protein change: p.Val16Phe; replaces valine 16 with phenylalanine.
Molecular consequence: missense variant. On other transcripts: intron variant (3), non-coding transcript variant (1).
Genome position (GRCh38, 1-based): chr7:97,869,111, C>A on the plus strand (G>T on the coding strand, the complement: ASNS is on the minus strand). VCF-style: chr7-97869111-C-A. GRCh37 (hg19) VCF-style: chr7-97498423-C-A.
Other names: c.46G>T, p.Val16Phe (NM_001352496.2, NM_133436.3, NM_183356.4); c.-1+3240G>T (NM_001178076.2); c.-12-6G>T (NM_001178075.2); c.-1+2930G>T (NM_001178077.1); short protein forms V16F.
Identifiers: ClinVar variation 1302350 (VCV001302350.2), dbSNP rs2115755157, ClinGen allele CA368274338.
Genomic context (GRCh38, chr7:97,869,111, plus strand): 5'-TCTCAAAACGGAATGCATCTGGACCTCTGTGTGCAATCTTCATAGCACTCAGACACTGAA[C>A]AGAAAGGCAATCATCACTGCCAAACAGCGCCCAAATGCCACACATGGTGCAATGAAGCTA-3'
Protein context (NP_001664.3, residues 6-26): ALFGSDDCLS[Val16Phe]QCLSAMKIAH

ClinVar aggregate classification (germline): Uncertain significance (1 of 4 stars; one submission).

Submission:

GeneDx
Classification: Uncertain significance. Last evaluated: 2020-11-17. Review status: criteria provided, single submitter. Criteria: GeneDx Variant Classification Process June 2021. Collection method: clinical testing. Allele origin: germline. Affected: yes.
Comment: Not observed in large population cohorts (Lek et al., 2016); In silico analysis supports that this missense variant does not alter protein structure/function; Has not been previously published as pathogenic or benign to our knowledge